The following is an entry in ClinVar:

NM_198525.3(KIF7):c.424C>G (p.His142Asp)

Gene: KIF7 (kinesin family member 7; minus strand). Cytogenetic location: 15q26.1.
Variant type: single nucleotide variant.
Coding change: c.424C>G on transcript NM_198525.3 (MANE Select); coding-DNA position 424, C replaced by G.
Protein change: p.His142Asp; replaces histidine 142 with aspartic acid.
Molecular consequence: missense variant.
Genome position (GRCh38, 1-based): chr15:89,649,846, G>C on the plus strand (C>G on the coding strand, the complement: KIF7 is on the minus strand). VCF-style: chr15-89649846-G-C. GRCh37 (hg19) VCF-style: chr15-90193077-G-C.
Other names: short protein forms H142D.
Identifiers: ClinVar variation 1347818 (VCV001347818.6), dbSNP rs2142032123, ClinGen allele CA393777140.

ClinVar aggregate classification (germline): Uncertain significance (1 of 4 stars; one submission).

Conditions:
Acrocallosal syndrome (ACLS). Also called: HALLUX DUPLICATION, POSTAXIAL POLYDACTYLY, AND ABSENCE OF CORPUS CALLOSUM; Schinzel syndrome 1; Absence of corpus callosum with unusual facial appearance, mental deficiency, duplication of the halluces and polydactyly. Identifiers: Orphanet 36, MedGen C0796147, MONDO:0008708, OMIM 200990.

Submission:

Labcorp Genetics (formerly Invitae), Labcorp
Classification: Uncertain significance for Acrocallosal syndrome. Last evaluated: 2021-10-28. Review status: criteria provided, single submitter. Criteria: Invitae Variant Classification Sherloc (09022015). Collection method: clinical testing. Allele origin: germline.
Comment: This variant is not present in population databases (gnomAD no frequency). This sequence change replaces histidine, which is basic and polar, with aspartic acid, which is acidic and polar, at codon 142 of the KIF7 protein (p.His142Asp). This variant has not been reported in the literature in individuals affected with KIF7-related conditions. Algorithms developed to predict the effect of missense changes on protein structure and function are either unavailable or do not agree on the potential impact of this missense change (SIFT: "Tolerated"; PolyPhen-2: "Possibly Damaging"; Align-GVGD: "Class C0"). Algorithms developed to predict the effect of sequence changes on RNA splicing suggest that this variant may create or strengthen a splice site. In summary, the available evidence is currently insufficient to determine the role of this variant in disease. Therefore, it has been classified as a Variant of Uncertain Significance.